The following is an entry in ClinVar:

ClinVar aggregate classification (germline): Uncertain significance (1 of 4 stars; one submission).

gnomAD v4.1: 30 of 1,613,174 alleles (0.0019%); highest among the groups gnomAD compares: Non-Finnish European, 0.00068%; no homozygotes.

Submission:

Labcorp Genetics (formerly Invitae), Labcorp
Classification: Uncertain significance. Last evaluated: 2022-06-01. Review status: criteria provided, single submitter. Criteria: Invitae Variant Classification Sherloc (09022015). Collection method: clinical testing. Allele origin: germline.
Comment: This sequence change replaces aspartic acid, which is acidic and polar, with histidine, which is basic and polar, at codon 63 of the ECHS1 protein (p.Asp63His). This variant is present in population databases (rs763796581, gnomAD 0.03%). This variant has not been reported in the literature in individuals affected with ECHS1-related conditions. Algorithms developed to predict the effect of missense changes on protein structure and function are either unavailable or do not agree on the potential impact of this missense change (SIFT: "Tolerated"; PolyPhen-2: "Possibly Damaging"; Align-GVGD: "Class C0"). In summary, the available evidence is currently insufficient to determine the role of this variant in disease. Therefore, it has been classified as a Variant of Uncertain Significance.

NM_004092.4(ECHS1):c.187G>C (p.Asp63His)

Gene: ECHS1 (enoyl-CoA hydratase, short chain 1; minus strand). Cytogenetic location: 10q26.3.
Variant type: single nucleotide variant.
Coding change: c.187G>C on transcript NM_004092.4 (MANE Select); coding-DNA position 187, G replaced by C.
Protein change: p.Asp63His; replaces aspartic acid 63 with histidine.
Molecular consequence: missense variant.
Genome position (GRCh38, 1-based): chr10:133,370,659, C>G on the plus strand (G>C on the coding strand, the complement: ECHS1 is on the minus strand). VCF-style: chr10-133370659-C-G. GRCh37 (hg19) VCF-style: chr10-135184163-C-G.
Other names: short protein forms D63H.
Identifiers: ClinVar variation 2069211 (VCV002069211.1), dbSNP rs763796581, ClinGen allele CA5765856.